The following is an entry in ClinVar:

NM_170601.5(SIAE):c.966+3A>G

Gene: SIAE (sialic acid acetylesterase; minus strand). Cytogenetic location: 11q24.2.
Variant type: single nucleotide variant.
Coding change: c.966+3A>G on transcript NM_170601.5 (MANE Select); 3 bases into the intron after coding-DNA position 966, A replaced by G.
Molecular consequence: intron variant.
Genome position (GRCh38, 1-based): chr11:124,647,362, T>C on the plus strand (A>G on the coding strand, the complement: SIAE is on the minus strand). VCF-style: chr11-124647362-T-C. GRCh37 (hg19) VCF-style: chr11-124517258-T-C.
Other names: c.861+3A>G (NM_001199922.2).
Identifiers: ClinVar variation 1434157 (VCV001434157.8), dbSNP rs2134363681, ClinGen allele CA2573129736.

ClinVar aggregate classification (germline): Uncertain significance (1 of 4 stars; one submission).

Submission:

Labcorp Genetics (formerly Invitae), Labcorp
Classification: Uncertain significance. Last evaluated: 2022-07-19. Review status: criteria provided, single submitter. Criteria: Invitae Variant Classification Sherloc (09022015). Collection method: clinical testing. Allele origin: germline.
Comment: In summary, the available evidence is currently insufficient to determine the role of this variant in disease. Therefore, it has been classified as a Variant of Uncertain Significance. Variants that disrupt the consensus splice site are a relatively common cause of aberrant splicing (PMID: 17576681, 9536098). Algorithms developed to predict the effect of sequence changes on RNA splicing suggest that this variant may disrupt the consensus splice site. ClinVar contains an entry for this variant (Variation ID: 1434157). This variant has not been reported in the literature in individuals affected with SIAE-related conditions. This variant is not present in population databases (gnomAD no frequency). This sequence change falls in intron 7 of the SIAE gene. It does not directly change the encoded amino acid sequence of the SIAE protein. It affects a nucleotide within the consensus splice site.

Literature cited by the submitters: PubMed 17576681 (cited by Labcorp Genetics (formerly Invitae), Labcorp); PubMed 9536098 (cited by Labcorp Genetics (formerly Invitae), Labcorp).